The following is an entry in ClinVar:

ClinVar aggregate classification (germline): Pathogenic. Review status: reviewed by expert panel (3 of 4 stars). 14 submissions from 14 submitters: Pathogenic (1). 13 of the submissions do not count toward it. Last evaluated 2024-06-28.

Conditions:
Auditory neuropathy spectrum disorder. Identifiers: MedGen C2732267.
Rare genetic deafness. Identifiers: Orphanet 96210, MedGen C5680250.
OTOF-related disorder. Also called: OTOF-related condition.
Nonsyndromic genetic hearing loss. Also called: Nonsyndromic hearing loss and deafness; Non-syndromic genetic deafness; Nonsyndromic genetic deafness. Identifiers: Orphanet 87884, MedGen C5680182, MONDO:0019497.
Autosomal recessive nonsyndromic hearing loss 9. Also called: Deafness, autosomal recessive 9; AUDITORY NEUROPATHY, AUTOSOMAL RECESSIVE, 1, TEMPERATURE-SENSITIVE; NEUROSENSORY NONSYNDROMIC RECESSIVE DEAFNESS 9; OTOF-Related Hearing Loss. Identifiers: Orphanet 90636, MedGen C1832828, MONDO:0010986, OMIM 601071.

Allele frequency attached by ClinVar (database versions not stated): gnomAD 0.00025; gnomAD exomes 0.00051; ExAC 0.00054; 1000 Genomes Project 30x 0.00125; TOPMed 0.00025; 1000 Genomes Project 0.00160.
gnomAD v4.1: 167 of 1,613,754 alleles (0.01%); highest among the groups gnomAD compares: East Asian, 0.34%; 1 homozygote.

Submissions 1 to 6 of 14:

ClinGen Hearing Loss Variant Curation Expert Panel
Classification: Pathogenic for Nonsyndromic genetic hearing loss. Last evaluated: 2024-06-28. Review status: reviewed by expert panel. Criteria: clingen hl acmg specifications otof myo15a v1. Collection method: curation. Allele origin: germline. Inheritance: Autosomal recessive inheritance.
Comment: The c.5098G>C (p.Glu1700Gln) variant in OTOF is a missense variant predicted to cause a substitution of glutamic acid by glutamine at amino acid 1700. The filtering allele frequency (the lower threshold of the 95% CI of 152/44874) of the c.5098G>C (p.Glu1700Gln) is 0.2948% for East Asian chromosomes by gnomAD v4.1.0, which meets the ClinGen Hearing Loss VCEP threshold (≥0.003) for BS1. However, based on the evidence outlined below, the ClinGen Hearing Loss Expert Panel believes that the evidence for the pathogenicity of this variant for nonsyndromic hearing loss outweighs its high allele frequency the East Asian population, given it is reported as a founder mutation in the Taiwanese population (PMID: 20224275). Therefore, the BS1 code will not contribute to the overall classification. The computational predictor REVEL gives a score of 0.85 which is above the threshold of ≥ 0.7 (PP3). This variant has been detected in at least 18 individuals with autosomal recessive nonsyndromic hearing loss. Eight individuals were homozygous for the variant (PMIDs: 20224275, 35106950). Six individuals were compound heterozygous for the variant and a pathogenic or likely pathogenic variant with phase unknown (p.Glu841Lys, c.4961-1G>A, p.Arg1344*, p.Arg500*; PMID: 28766844). Four individuals were compound heterozygous for the variant and a pathogenic or likely pathogenic variant and confirmed in trans by parental testing (p.Pro1628Thr; PMID: 34692690) (PM3_VeryStrong). At least one patient with this variant displayed features of auditory neuropathy spectrum disorder, which is highly specific for OTOF (PP4; PMID: 28766844). The variant has been reported to segregate with hearing loss in multiple affected family members from two families (PP1_Strong; PMIDs: 20224275, 34692690). In summary, this variant meets the criteria to be classified as pathogenic for nonsyndromic genetic hearing loss, based on the ACMG/AMP criteria applied, as specified by the ClinGen Hearing Loss VCEP (PP3, PM3_VeryStrong, PP4, PP1_Strong; Version 2; 5/15/24).

GeneDx
Classification: Pathogenic. Last evaluated: 2026-04-08. Review status: criteria provided, single submitter. Criteria: GeneDx Variant Classification Process June 2021. Collection method: clinical testing. Allele origin: germline. Not counted in ClinVar's aggregate classification.
Comment: In silico analysis supports that this missense variant has a deleterious effect on protein structure/function; This variant is associated with the following publications: (PMID: 34416374, 31827501, 20224275, 24746455, 20301429, 31180159, 25326637, 28766844, 32508568, 30368385, 31980526, 32555439, 33256196, 34325055, 35114279, 34943631, 34335733, 35106950, 36837553, 34536124, 34424407, 34692690, 30311386, 35884828, 38456936, 39443691, 40346465)

PreventionGenetics, part of Exact Sciences
Classification: Likely pathogenic for OTOF-related condition. Last evaluated: 2026-02-23. Review status: criteria provided, single submitter. Criteria: ACMG Guidelines, 2015. Collection method: clinical testing. Allele origin: germline. Not counted in ClinVar's aggregate classification.
Comment: The OTOF c.5098G>C variant is predicted to result in the amino acid substitution p.Glu1700Gln. This variant has been reported in the homozygous or compound heterozygous states with known pathogenic or likely pathogenic variant in multiple patients with nonsyndromic hearing loss or auditory neuropathy and has been reported as a founder variant in the Taiwanese population (Chiu et al. 2010. PubMed ID: 20224275; Liu et al. 2022. PubMed ID: 35106950; eTable2, Lee et al. 2014. PubMed ID: 25326637; Chen et al. 2018. PubMed ID: 30368385; Qiu et al. 2019. PubMed ID: 31827501; Table S2, Guan et al. 2021. PubMed ID: 34416374; Zhu et al. 2021. PubMed ID: 34692690; Wu et al. 2018. PubMed ID: 28766844). This variant is reported in 0.68% of alleles in individuals of East Asian descent in gnomAD, including one homozygote. This variant is curated in ClinVar by the ClinGen Hearing Loss Variant Curation Expert Panel as pathogenic (Variation ID: 48253). This variant is interpreted as likely pathogenic.

Women's Health and Genetics/Laboratory Corporation of America, LabCorp
Classification: Uncertain significance. Last evaluated: 2025-07-02. Review status: criteria provided, single submitter. Criteria: LabCorp Variant Classification Summary - May 2015. Collection method: clinical testing. Allele origin: germline. Not counted in ClinVar's aggregate classification.
Comment: Variant summary: OTOF c.5098G>C (p.Glu1700Gln) results in a conservative amino acid change in the encoded protein sequence. Algorithms developed to predict the effect of missense changes on protein structure and function are either unavailable or do not agree on the potential impact of this missense change. The variant allele was found at a frequency of 0.00051 in 249992 control chromosomes, predominantly at a frequency of 0.0069 within the East Asian subpopulation in the gnomAD database, including 1 homozygote. The observed variant frequency within East Asian control individuals in the gnomAD database is approximately 6 fold of the estimated maximal expected allele frequency for a pathogenic variant in OTOF causing Nonsyndromic Hearing Loss And Deafness, Type 9 phenotype (0.0011). c.5098G>C has been reported in the literature as a frequent founder variant in the Taiwanese population (example, Chiu_2010), and as homozygous and compound heterozygous genotypes in individuals of East Asian ethnicity (EAS) from many simplex families affected with auditory neuropathy spectrum disorder (ANSD) (example, Chiu_2010, Lee_2014, Chen_2018, Qiu_2019, Wang_2024, Lin_2025). To our knowledge, no experimental evidence demonstrating an impact on protein function has been reported. The following publications have been ascertained in the context of this evaluation (PMID: 30368385, 20224275, 25326637, 35106950, 31827501, 38456936, 40346465). ClinVar contains an entry for this variant (Variation ID: 48253). Based on the evidence outlined above, the variant was classified as uncertain significance.

Blueprint Genetics
Classification: Likely pathogenic for OTOF-related disorders. Last evaluated: 2024-06-13. Review status: criteria provided, single submitter. Criteria: ACMG Guidelines, 2015. Collection method: clinical testing. Allele origin: germline. Affected: yes. Observed: 5 variant alleles. Not counted in ClinVar's aggregate classification.

Laboratory for Molecular Medicine, Mass General Brigham Personalized Medicine
Classification: Uncertain significance for Rare genetic deafness. Last evaluated: 2024-01-10. Review status: criteria provided, single submitter. Criteria: ACMG Guidelines, 2015. Collection method: clinical testing. Allele origin: germline. Inheritance: Autosomal recessive inheritance. Not counted in ClinVar's aggregate classification.
Comment: The p.Glu1700Gln variant in OTOF has been reported in >15 compound heterozygous or homozygous individuals with auditory neuropathy and/or hearing loss and segregated with disease in at least 3 affected individuals from 2 families. However some of these individuals had pathogenic variants in other genes which explained their phenotype (Chiu 2010 PMID: 20224275, Lee 2014 PMID: 25326637, Chen 2018 PMID: 30368385, Wu 2018 PMID: 28766844, Qiu 2019 PMID: 31827501, Guan 2021 PMID: 34416374, Zhu 2021 PMID: 34692690, Liu 2022 PMID: 35106950, LMM data). It has also been identified in 0.33% (152/44874) of East Asian chromosomes by gnomAD including 1 homozygote (v.4.0.0). This variant was classified as Uncertain Significance on Jun 23, 2021 by the ClinGen-approved Hearing Loss Variant Curation expert panel (Variation ID 48253). Computational prediction tools and conservation analyses suggest that this variant may impact the protein, though this information is not predictive enough to determine pathogenicity. In summary, while there is some suspicion for a pathogenic role, the clinical significance of this variant is uncertain due to conflicting information. ACMG/AMP Criteria applied: BS1, PM3_Strong, PP1_Strong, PP3.

NM_194248.3(OTOF):c.5098G>C (p.Glu1700Gln)

Genes: OTOF (otoferlin; minus strand), LOC112840921 (BRD4-independent group 4 enhancer GRCh37_chr2:26685720-26686919; plus strand). Cytogenetic location: 2p23.3.
Variant type: single nucleotide variant.
Coding change: c.5098G>C on transcript NM_194248.3 (MANE Select); coding-DNA position 5098, G replaced by C.
Protein change: p.Glu1700Gln; replaces glutamic acid 1700 with glutamine.
Molecular consequence: missense variant.
Genome position (GRCh38, 1-based): chr2:26,463,969, C>G on the plus strand (G>C on the coding strand, the complement: OTOF is on the minus strand). VCF-style: chr2-26463969-C-G. GRCh37 (hg19) VCF-style: chr2-26686837-C-G.
Other names: DFNB9: otoferlin; NM_194248.2(OTOF):c.5098G>C; c.5098G>C, p.Glu1700Gln (NM_001287489.2); c.2797G>C, p.Glu933Gln (NM_004802.4, NM_194323.3); c.3028G>C, p.Glu1010Gln (NM_194322.3); short protein forms E1700Q, E933Q, E1010Q.
Identifiers: ClinVar variation 48253 (VCV000048253.39), dbSNP rs199766465, ClinGen allele CA345132.